The following is an entry in ClinVar:

ClinVar aggregate classification (germline): Likely benign (1 of 4 stars; one submission).

gnomAD v4.1: 10 of 1,613,904 alleles (0.00062%); highest among the groups gnomAD compares: Admixed American, 0.0017%; no homozygotes.

Submission:

CeGaT Center for Human Genetics Tuebingen
Classification: Likely benign. Last evaluated: 2022-04-01. Review status: criteria provided, single submitter. Criteria: CeGaT Center For Human Genetics Tuebingen Variant Classification Criteria Version 2. Collection method: clinical testing. Allele origin: germline. Affected: yes. Observed: 1 variant allele.
Comment: LACC1: BP4

NM_153218.4(LACC1):c.322C>G (p.Pro108Ala)

Gene: LACC1 (laccase domain multifunctional purine nucleosidase 1; plus strand). Cytogenetic location: 13q14.11.
Variant type: single nucleotide variant.
Coding change: c.322C>G on transcript NM_153218.4 (MANE Select); coding-DNA position 322, C replaced by G.
Protein change: p.Pro108Ala; replaces proline 108 with alanine.
Molecular consequence: missense variant. On other transcripts: intron variant (5).
Genome position (GRCh38, 1-based): chr13:43,881,307, C>G. VCF-style: chr13-43881307-C-G. GRCh37 (hg19) VCF-style: chr13-44455443-C-G.
Other names: c.322C>G, p.Pro108Ala (NM_001128303.2, NM_001350638.2, NM_001350639.2 and 4 more transcripts); c.-207+10C>G (NM_001350645.2, NM_001350644.2, NM_001350647.2 and 2 more transcripts); short protein forms P108A.
Identifiers: ClinVar variation 2643795 (VCV002643795.24), dbSNP rs1376272976, ClinGen allele CA388234151.
Genomic context (GRCh38, chr13:43,881,307, plus strand): 5'-TTGTATACCATTAAACAGAAAATTGATGAAAAAAATCTGAGCAGCATTAAGGTAATTGTA[C>G]CCAGGCACAGGAAGACATTAATGAAAGCTTTTATTGATCAACTCTTCACTGATGTTTACA-3'
Protein context (NP_694950.2, residues 98-118): KNLSSIKVIV[Pro108Ala]RHRKTLMKAF